The following is an entry in ClinVar:

NM_021100.5(NFS1):c.1295G>A (p.Arg432His)

Gene: NFS1 (NFS1 cysteine desulfurase; minus strand). Cytogenetic location: 20q11.22.
Variant type: single nucleotide variant.
Coding change: c.1295G>A on transcript NM_021100.5 (MANE Select); coding-DNA position 1295, G replaced by A.
Protein change: p.Arg432His; replaces arginine 432 with histidine.
Molecular consequence: missense variant. On other transcripts: non-coding transcript variant (1).
Genome position (GRCh38, 1-based): chr20:35,672,770, C>T on the plus strand (G>A on the coding strand, the complement: NFS1 is on the minus strand). VCF-style: chr20-35672770-C-T. GRCh37 (hg19) VCF-style: chr20-34260692-C-T.
Other names: c.1142G>A, p.Arg381His (NM_001198989.2); short protein forms R381H, R432H.
Identifiers: ClinVar variation 2171344 (VCV002171344.3), dbSNP rs188144557, ClinGen allele CA9836995.

ClinVar aggregate classification (germline): Uncertain significance (1 of 4 stars; one submission).

Allele frequency attached by ClinVar (database versions not stated): gnomAD exomes 0.00002; TOPMed 0.00003; gnomAD 0.00004; ExAC 0.00007; 1000 Genomes Project 30x 0.00016; 1000 Genomes Project 0.00020.
gnomAD v4.1: 38 of 1,611,274 alleles (0.0024%); highest among the groups gnomAD compares: East Asian, 0.036%; 1 homozygote.

Submission:

Labcorp Genetics (formerly Invitae), Labcorp
Classification: Uncertain significance. Last evaluated: 2025-10-22. Review status: criteria provided, single submitter. Criteria: Invitae Variant Classification Sherloc (09022015). Collection method: clinical testing. Allele origin: germline.
Comment: This sequence change replaces arginine, which is basic and polar, with histidine, which is basic and polar, at codon 432 of the NFS1 protein (p.Arg432His). This variant is present in population databases (rs188144557, gnomAD 0.08%). This variant has not been reported in the literature in individuals affected with NFS1-related conditions. ClinVar contains an entry for this variant (Variation ID: 2171344). An algorithm developed to predict the effect of missense changes on protein structure and function (PolyPhen-2) suggests that this variant is likely to be tolerated. In summary, the available evidence is currently insufficient to determine the role of this variant in disease. Therefore, it has been classified as a Variant of Uncertain Significance.